The following is an entry in ClinVar:

ClinVar aggregate classification (germline): Uncertain significance (1 of 4 stars; one submission).

Allele frequency attached by ClinVar (database versions not stated): gnomAD 0.00001; gnomAD exomes 0.00001.
gnomAD v4.1: 13 of 1,610,192 alleles (0.00081%); highest among the groups gnomAD compares: Non-Finnish European, 0.0011%; no homozygotes.

Submission:

Labcorp Genetics (formerly Invitae), Labcorp
Classification: Uncertain significance. Last evaluated: 2020-02-22. Review status: criteria provided, single submitter. Criteria: Invitae Variant Classification Sherloc (09022015). Collection method: clinical testing. Allele origin: germline.
Comment: This sequence change falls in intron 20 of the MYO1E gene. It does not directly change the encoded amino acid sequence of the MYO1E protein, but it affects a nucleotide within the consensus splice site of the intron. This variant is not present in population databases (ExAC no frequency). This variant has not been reported in the literature in individuals with MYO1E-related conditions. Nucleotide substitutions within the consensus splice site are a relatively common cause of aberrant splicing (PMID: 17576681, 9536098). Algorithms developed to predict the effect of sequence changes on RNA splicing suggest that this variant is not likely to affect RNA splicing, but this prediction has not been confirmed by published transcriptional studies. In summary, the available evidence is currently insufficient to determine the role of this variant in disease. Therefore, it has been classified as a Variant of Uncertain Significance.

Literature cited by the submitters: PubMed 17576681; PubMed 9536098.

NM_004998.4(MYO1E):c.2164+5T>A

Gene: MYO1E (myosin IE; minus strand). Cytogenetic location: 15q22.2.
Variant type: single nucleotide variant.
Coding change: c.2164+5T>A on transcript NM_004998.4 (MANE Select); 5 bases into the intron after coding-DNA position 2164, T replaced by A.
Molecular consequence: intron variant.
Genome position (GRCh38, 1-based): chr15:59,174,121, A>T on the plus strand (T>A on the coding strand, the complement: MYO1E is on the minus strand). VCF-style: chr15-59174121-A-T. GRCh37 (hg19) VCF-style: chr15-59466320-A-T.
Identifiers: ClinVar variation 1023468 (VCV001023468.9), dbSNP rs1487632619, ClinGen allele CA618506698.